The following is an entry in ClinVar:

NM_001170700.3(DTHD1):c.2201G>T (p.Ser734Ile)

Gene: DTHD1 (death domain containing 1; plus strand). Cytogenetic location: 4p14.
Variant type: single nucleotide variant.
Coding change: c.2201G>T on transcript NM_001170700.3 (MANE Select); coding-DNA position 2201, G replaced by T.
Protein change: p.Ser734Ile; replaces serine 734 with isoleucine.
Molecular consequence: missense variant. On other transcripts: non-coding transcript variant (2).
Genome position (GRCh38, 1-based): chr4:36,316,347, G>T. VCF-style: chr4-36316347-G-T. GRCh37 (hg19) VCF-style: chr4-36317969-G-T.
Other names: c.1331G>T, p.Ser444Ile (NM_001136536.5); c.1268G>T, p.Ser423Ile (NM_001378435.1); c.1826G>T (NM_001170700.1); short protein forms S423I, S444I, S734I.
Identifiers: ClinVar variation 1978528 (VCV001978528.5), dbSNP rs929467367, ClinGen allele CA95790303.

ClinVar aggregate classification (germline): Uncertain significance. Review status: criteria provided, multiple submitters, no conflicts (2 of 4 stars). 2 submissions from 2 submitters: Uncertain significance (2). Last evaluated 2025-02-27.

Allele frequency attached by ClinVar (database versions not stated): gnomAD exomes below 0.00001; TOPMed below 0.00001; gnomAD 0.00001.
gnomAD v4.1: 2 of 1,551,996 alleles (0.00013%); highest among the groups gnomAD compares: Non-Finnish European, 0.00017%; no homozygotes.

Submissions (2):

Ambry Genetics
Classification: Uncertain significance. Last evaluated: 2025-02-27. Review status: criteria provided, single submitter. Criteria: Ambry Variant Classification Scheme 2023. Collection method: clinical testing. Allele origin: germline.

Labcorp Genetics (formerly Invitae), Labcorp
Classification: Uncertain significance. Last evaluated: 2022-07-15. Review status: criteria provided, single submitter. Criteria: Invitae Variant Classification Sherloc (09022015). Collection method: clinical testing. Allele origin: germline.
Comment: This sequence change replaces serine, which is neutral and polar, with isoleucine, which is neutral and non-polar, at codon 444 of the DTHD1 protein (p.Ser444Ile). In summary, the available evidence is currently insufficient to determine the role of this variant in disease. Therefore, it has been classified as a Variant of Uncertain Significance. Algorithms developed to predict the effect of missense changes on protein structure and function (SIFT, PolyPhen-2, Align-GVGD) all suggest that this variant is likely to be disruptive. This variant has not been reported in the literature in individuals affected with DTHD1-related conditions. This variant is not present in population databases (gnomAD no frequency).